The following is an entry in ClinVar:

NM_001374828.1(ARID1B):c.339C>A (p.Ser113Arg)

Genes: ARID1B (AT-rich interaction domain 1B; plus strand), LOC115308161 (uncharacterized LOC115308161; minus strand). Cytogenetic location: 6q25.3.
Variant type: single nucleotide variant.
Coding change: c.339C>A on transcript NM_001374828.1 (MANE Select); coding-DNA position 339, C replaced by A.
Protein change: p.Ser113Arg; replaces serine 113 with arginine.
Molecular consequence: missense variant.
Genome position (GRCh38, 1-based): chr6:156,778,019, C>A. VCF-style: chr6-156778019-C-A. GRCh37 (hg19) VCF-style: chr6-157099153-C-A.
Other names: c.90C>A (NM_020732.3); c.339C>A, p.Ser113Arg (NM_001371656.1, NM_001374820.1, NM_017519.3); short protein forms S113R.
Identifiers: ClinVar variation 3345743 (VCV003345743.1).

ClinVar aggregate classification (germline): Uncertain significance (0 of 4 stars; one submission).

Conditions:
ARID1B-Related Disorder. Identifiers: MedGen CN381337.

Submission:

PreventionGenetics, part of Exact Sciences
Classification: Uncertain significance for ARID1B-related condition. Last evaluated: 2024-08-17. Review status: no assertion criteria provided. Collection method: clinical testing. Allele origin: germline.
Comment: The ARID1B c.90C>A variant is predicted to result in the amino acid substitution p.Ser30Arg. To our knowledge, this variant has not been reported in the literature or in a large population database, indicating this variant is rare. At this time, the clinical significance of this variant is uncertain due to the absence of conclusive functional and genetic evidence.